The following is an entry in ClinVar:

NM_014846.4(WASHC5):c.1238T>G (p.Leu413Arg)

Gene: WASHC5 (WASH complex subunit 5; minus strand). Cytogenetic location: 8q24.13.
Variant type: single nucleotide variant.
Coding change: c.1238T>G on transcript NM_014846.4 (MANE Select); coding-DNA position 1238, T replaced by G.
Protein change: p.Leu413Arg; replaces leucine 413 with arginine.
Molecular consequence: missense variant.
Genome position (GRCh38, 1-based): chr8:125,067,632, A>C on the plus strand (T>G on the coding strand, the complement: WASHC5 is on the minus strand). VCF-style: chr8-125067632-A-C. GRCh37 (hg19) VCF-style: chr8-126079874-A-C.
Other names: p.Leu413Arg; c.794T>G, p.Leu265Arg (NM_001330609.2); short protein forms L413R, L265R.
Identifiers: ClinVar variation 424435 (VCV000424435.7), dbSNP rs1064796966, ClinGen allele CA16618595.

ClinVar aggregate classification (germline): Uncertain significance. Review status: criteria provided, multiple submitters, no conflicts (2 of 4 stars). 4 submissions from 4 submitters: Uncertain significance (4). Last evaluated 2026-01-09.

Conditions:
Inborn genetic diseases. Identifiers: MedGen C0950123, MeSH D030342.
Hereditary spastic paraplegia. Also called: Familial spastic paraparesis. Identifiers: Orphanet 685, MedGen C0037773, MONDO:0019064. Disease mechanism: loss of function.

Allele frequency attached by ClinVar (database versions not stated): gnomAD exomes below 0.00001; TOPMed below 0.00001.
gnomAD v4.1: 2 of 1,613,174 alleles (0.00012%); highest among the groups gnomAD compares: Admixed American, 0.0033%; no homozygotes.

Submissions (4):

Ambry Genetics
Classification: Uncertain significance for Inborn genetic diseases. Last evaluated: 2026-01-09. Review status: criteria provided, single submitter. Criteria: Ambry Variant Classification Scheme 2023. Collection method: clinical testing. Allele origin: germline.

Mayo Clinic Laboratories, Mayo Clinic
Classification: Uncertain significance. Last evaluated: 2024-09-06. Review status: criteria provided, single submitter. Criteria: ACMG Guidelines, 2015. Collection method: clinical testing. Allele origin: germline. Observed: 1 variant allele.
Comment: PP3, PM2

Genome Diagnostics Laboratory, The Hospital for Sick Children
Classification: Uncertain significance for Hereditary spastic paraplegia. Last evaluated: 2019-06-01. Review status: criteria provided, single submitter. Criteria: ACMG Guidelines, 2015. Collection method: clinical testing. Allele origin: germline. Affected: yes.

GeneDx
Classification: Uncertain significance. Last evaluated: 2017-03-22. Review status: criteria provided, single submitter. Criteria: GeneDx Variant Classification (06012015). Collection method: clinical testing. Allele origin: germline. Affected: yes.
Comment: The L413R variant in the KIAA0196 gene has not been reported previously as a pathogenic variant, nor as a benign variant, to our knowledge. The L413R variant is not observed in large population cohorts (Lek et al., 2016; 1000 Genomes Consortium et al., 2015; Exome Variant Server). The L413R variant is a non-conservative amino acid substitution, which is likely to impact secondary protein structure as these residues differ in polarity, charge, size and/or other properties. This substitution occurs at a position that is conserved across species. In silico analysis predicts this variant is probably damaging to the protein structure/function. We interpret L413R as a variant of uncertain significance.